The following is an entry in ClinVar:

ClinVar aggregate classification (germline): Uncertain significance (1 of 4 stars; one submission).

Submission:

Quest Diagnostics Nichols Institute San Juan Capistrano
Classification: Uncertain significance. Last evaluated: 2023-03-29. Review status: criteria provided, single submitter. Criteria: Quest Diagnostics criteria. Collection method: clinical testing. Allele origin: unknown.
Comment: This variant has not been reported in the published literature. It also has not been reported in large, multi-ethnic general populations. Analysis of this variant using software algorithms for the prediction of the effect of nucleotide changes on splicing yielded predictions that this variant may affect proper BRCA1 mRNA splicing . Based on the available information, we are unable to determine the clinical significance of this variant.

NM_007294.4(BRCA1):c.442-5T>G

Gene: BRCA1 (BRCA1 DNA repair associated; minus strand). Cytogenetic location: 17q21.31.
Variant type: single nucleotide variant.
Coding change: c.442-5T>G on transcript NM_007294.4 (MANE Select); 5 bases into the intron before coding-DNA position 442, T replaced by G.
Molecular consequence: intron variant.
Genome position (GRCh38, 1-based): chr17:43,099,885, A>C on the plus strand (T>G on the coding strand, the complement: BRCA1 is on the minus strand). VCF-style: chr17-43099885-A-C. GRCh37 (hg19) VCF-style: chr17-41251902-A-C.
Other names: c.442-5T>G (NM_001407982.1, NM_001407970.1, NM_001407621.1 and 96 more transcripts); c.301-5T>G (NM_001408458.1, NM_001407922.1, NM_001408469.1 and 61 more transcripts); c.-218-5025T>G (NM_001407967.1, NM_001407966.1); c.61-5T>G (NM_001407959.1, NM_001408512.1, NM_001408510.1 and 3 more transcripts); c.301-8T>G (NM_001407931.1, NM_001407747.1, NM_001408470.1 and 35 more transcripts); c.61-8T>G (NM_001407962.1); c.232-5T>G (NM_001407885.1, NM_001407886.1, NM_001407881.1 and 37 more transcripts); c.442-8T>G (NM_001407686.1, NM_001408397.1, NM_001407632.1 and 65 more transcripts); and 5 more.
Identifiers: ClinVar variation 2681811 (VCV002681811.1), dbSNP rs2154530077, ClinGen allele CA2697559895.